The following is an entry in ClinVar:

ClinVar aggregate classification (germline): Likely benign. Review status: criteria provided, multiple submitters, no conflicts (2 of 4 stars). 6 submissions from 5 submitters: Likely benign (4). 2 of the submissions do not count toward it. Last evaluated 2024-11-15.

Conditions:
Cranioectodermal dysplasia 4 (CED4). Identifiers: Orphanet 1515, MedGen C3280616, MONDO:0013719, OMIM 614378.
Asphyxiating thoracic dystrophy 5 (SRTD5). Also called: SHORT-RIB THORACIC DYSPLASIA 5 WITH OR WITHOUT POLYDACTYLY; SHORT-RIB THORACIC DYSPLASIA 5 WITHOUT POLYDACTYLY. Identifiers: Orphanet 474, MedGen C3280598, MONDO:0013717, OMIM 614376.

Allele frequency attached by ClinVar (database versions not stated): 1000 Genomes Project 0.00140; 1000 Genomes Project 30x 0.00141; gnomAD 0.00252; TOPMed 0.00377; ESP Exome Variant Server 0.00416; gnomAD exomes 0.00459.
gnomAD v4.1: 7,156 of 1,613,766 alleles (0.44%); highest among the groups gnomAD compares: Middle Eastern, 1%; 20 homozygotes.

Submissions (6):

Blueprint Genetics
Classification: Likely benign. Last evaluated: 2024-11-15. Review status: criteria provided, single submitter. Criteria: ACMG Guidelines, 2015. Collection method: clinical testing. Allele origin: germline.

Illumina Laboratory Services, Illumina
Classification: Likely benign for Cranioectodermal dysplasia 4. Last evaluated: 2018-01-13. Review status: criteria provided, single submitter. Criteria: ICSL Variant Classification Criteria 13 December 2019. Collection method: clinical testing. Allele origin: germline.
Comment: This variant was observed in the ICSL laboratory as part of a predisposition screen in an ostensibly healthy population. It had not been previously curated by ICSL or reported in the Human Gene Mutation Database (HGMD: prior to June 1st, 2018), and was therefore a candidate for classification through an automated scoring system. Utilizing variant allele frequency, disease prevalence and penetrance estimates, and inheritance mode, an automated score was calculated to assess if this variant is too frequent to cause the disease. Based on the score and internal cut-off values, a variant classified as likely benign is not then subjected to further curation. The score for this variant resulted in a classification of likely benign for this disease.

Illumina Laboratory Services, Illumina
Classification: Likely benign for Asphyxiating thoracic dystrophy 5. Last evaluated: 2018-01-13. Review status: criteria provided, single submitter. Criteria: ICSL Variant Classification Criteria 13 December 2019. Collection method: clinical testing. Allele origin: germline.
Comment: the same text as in the submission from Illumina Laboratory Services, Illumina above.

Breakthrough Genomics
Classification: Likely benign. Review status: criteria provided, single submitter. Criteria: ACMG Guidelines, 2015. Collection method: not provided. Allele origin: germline. Inheritance: Autosomal recessive inheritance. Affected: yes.

Clinical Genetics DNA and cytogenetics Diagnostics Lab, Erasmus MC, Erasmus Medical Center
Classification: Likely benign. Review status: no assertion criteria provided. Collection method: clinical testing. Allele origin: germline. Affected: yes. Study: VKGL Data-share Consensus. Not counted in ClinVar's aggregate classification.

Clinical Genetics, Academic Medical Center
Classification: Benign. Review status: no assertion criteria provided. Collection method: clinical testing. Allele origin: germline. Affected: yes. Study: VKGL Data-share Consensus. Not counted in ClinVar's aggregate classification.

NM_025132.4(WDR19):c.-15G>T

Gene: WDR19 (WD repeat domain 19; plus strand). Cytogenetic location: 4p14.
Variant type: single nucleotide variant.
Coding change: c.-15G>T on transcript NM_025132.4 (MANE Select); 15 bases upstream of the start codon, G replaced by T.
Molecular consequence: 5 prime UTR variant.
Genome position (GRCh38, 1-based): chr4:39,182,543, G>T. VCF-style: chr4-39182543-G-T. GRCh37 (hg19) VCF-style: chr4-39184163-G-T.
Other names: c.-379G>T (NM_001317924.2).
Identifiers: ClinVar variation 348722 (VCV000348722.10), dbSNP rs150860929, ClinGen allele CA2891483.
Genomic context (GRCh38, chr4:39,182,543, plus strand): 5'-AACGCGGTAGCCTGCTTGGTGGAGACCGGGTGCGCCTGCGTACTTCATAGTTCGCGTAGC[G>T]GCTCGAGCGTGGAGATGAAGGTAAATAACTTACAAATTCCCGGGGTGGGGCGGGAAAACG-3'